The following is an entry in ClinVar:

NM_001370259.2(MEN1):c.1351-9C>G

Gene: MEN1 (menin 1; minus strand). Cytogenetic location: 11q13.1.
Variant type: single nucleotide variant.
Coding change: c.1351-9C>G on transcript NM_001370259.2 (MANE Select); 9 bases into the intron before coding-DNA position 1351, C replaced by G.
Molecular consequence: intron variant.
Genome position (GRCh38, 1-based): chr11:64,804,825, G>C on the plus strand (C>G on the coding strand, the complement: MEN1 is on the minus strand). VCF-style: chr11-64804825-G-C. GRCh37 (hg19) VCF-style: chr11-64572297-G-C.
Other names: c.1366-9C>G (NM_130804.3, NM_130803.3, NM_000244.4 and 3 more transcripts); c.1351-9C>G (NM_130799.3, NM_001370260.2, NM_001370261.2); c.1477-9C>G (NM_001370251.2); c.1246-9C>G (NM_001370263.2, NM_001370262.2).
Identifiers: ClinVar variation 647227 (VCV000647227.7), dbSNP rs1592634740, ClinGen allele CA915948602.

ClinVar aggregate classification (germline): Pathogenic/Likely pathogenic. Review status: criteria provided, multiple submitters, no conflicts (2 of 4 stars). 2 submissions from 2 submitters: Pathogenic (1); Likely pathogenic (1). Last evaluated 2023-05-08.

Conditions:
Multiple endocrine neoplasia, type 1 (MEN1). Also called: MEN I; WERMER SYNDROME; Endocrine adenomatosis multiple; MEN 1; MEA I. Identifiers: Orphanet 652, MedGen C0025267, MeSH D018761, MONDO:0007540, OMIM 131100.
MEN1-related disorder. Also called: MEN1-related condition.

Submissions (2):

Labcorp Genetics (formerly Invitae), Labcorp
Classification: Pathogenic for Multiple endocrine neoplasia, type 1. Last evaluated: 2023-05-08. Review status: criteria provided, single submitter. Criteria: Invitae Variant Classification Sherloc (09022015). Collection method: clinical testing. Allele origin: germline.
Comment: ClinVar contains an entry for this variant (Variation ID: 647227). For these reasons, this variant has been classified as Pathogenic. This variant disrupts the NLS2 domain of the MEN1 protein, which is important for DNA binding and repression of cell proliferation (PMID: 15331604, 16449969). While functional studies have not been performed to directly test the effect of this variant on MEN1 protein function, this suggests that disruption of this region of the protein is causative of disease. Studies have shown that this variant results in activation of a cryptic splice site and introduces a new termination codon (PMID: 17388795). However the mRNA is not expected to undergo nonsense-mediated decay. This variant has been observed in individual(s) with multiple endocrine neoplasia type 1 (PMID: 17388795). It has also been observed to segregate with disease in related individuals. This variant is not present in population databases (gnomAD no frequency). This sequence change falls in intron 9 of the MEN1 gene. It does not directly change the encoded amino acid sequence of the MEN1 protein. RNA analysis indicates that this variant induces altered splicing and likely disrupts the C-terminus of the protein.

Blueprint Genetics
Classification: Likely pathogenic for MEN1-related disorders. Last evaluated: 2020-01-30. Review status: criteria provided, single submitter. Criteria: ACMG Guidelines, 2015. Collection method: clinical testing. Allele origin: germline. Affected: yes. Observed: 1 variant allele.

Literature cited by the submitters: PubMed 15331604 (cited by Labcorp Genetics (formerly Invitae), Labcorp); PubMed 16449969 (cited by Labcorp Genetics (formerly Invitae), Labcorp); PubMed 17388795 (cited by Labcorp Genetics (formerly Invitae), Labcorp).